The following is an entry in ClinVar:

NM_174878.3(CLRN1):c.39C>T (p.Ala13=)

Gene: CLRN1 (clarin 1; minus strand). Cytogenetic location: 3q25.1.
Variant type: single nucleotide variant.
Coding change: c.39C>T on transcript NM_174878.3 (MANE Select); coding-DNA position 39, C replaced by T.
Protein change: p.Ala13=; no amino-acid change (alanine 13 retained).
Molecular consequence: synonymous variant. On other transcripts: non-coding transcript variant (1).
Genome position (GRCh38, 1-based): chr3:150,972,670, G>A on the plus strand (C>T on the coding strand, the complement: CLRN1 is on the minus strand). VCF-style: chr3-150972670-G-A. GRCh37 (hg19) VCF-style: chr3-150690457-G-A.
Other names: c.39C>T, p.Ala13= (NM_001195794.1, NM_001256819.2).
Identifiers: ClinVar variation 667096 (VCV000667096.13), dbSNP rs1056326402, ClinGen allele CA85947817.

ClinVar aggregate classification (germline): Likely benign. Review status: criteria provided, multiple submitters, no conflicts (2 of 4 stars). 3 submissions from 3 submitters: Likely benign (3). Last evaluated 2025-12-27.

Conditions:
CLRN1-related disorder. Also called: CLRN1-related condition.

Allele frequency attached by ClinVar (database versions not stated): gnomAD 0.00001; gnomAD exomes 0.00001; TOPMed 0.00002.
gnomAD v4.1: 9 of 1,613,956 alleles (0.00056%); highest among the groups gnomAD compares: East Asian, 0.0045%; no homozygotes.

Submissions (3):

Labcorp Genetics (formerly Invitae), Labcorp
Classification: Likely benign. Last evaluated: 2025-12-27. Review status: criteria provided, single submitter. Criteria: Invitae Variant Classification Sherloc (09022015). Collection method: clinical testing. Allele origin: germline.

PreventionGenetics, part of Exact Sciences
Classification: Likely benign for CLRN1-related condition. Last evaluated: 2025-09-04. Review status: criteria provided, single submitter. Criteria: ACMG Guidelines, 2015. Collection method: clinical testing. Allele origin: germline.
Comment: This variant is classified as likely benign based on ACMG/AMP sequence variant interpretation guidelines (Richards et al. 2015 PMID: 25741868, with internal and published modifications).

Laboratory for Molecular Medicine, Mass General Brigham Personalized Medicine
Classification: Likely benign. Last evaluated: 2018-02-15. Review status: criteria provided, single submitter. Criteria: LMM Criteria. Collection method: clinical testing. Allele origin: germline. Observed: 1 variant allele.
Comment: p.Ala13Ala in exon 1 of CLRN1: This variant is not expected to have clinical sig nificance because it does not alter an amino acid residue and is not located wit hin the splice consensus sequence. It has been identified in 2/17240 East Asian chromosomes by the Genome Aggregation Database (gnomAD,, dbSNP rs1056326402). ACMG/AMP criteria applied: BP4; BP7.